The following is an entry in ClinVar:

ClinVar aggregate classification (germline): Uncertain significance. Review status: criteria provided, multiple submitters, no conflicts (2 of 4 stars). 4 submissions from 4 submitters: Uncertain significance (4). Last evaluated 2025-05-15.

Conditions:
Ehlers-Danlos syndrome, type 4 (EDSVASC). Also called: Ehlers-Danlos syndrome vascular type; Ehlers Danlos syndrome, ecchymotic type; Ehlers Danlos syndrome, arterial type; Ehlers Danlos syndrome, Sack-Barabas type; Ehlers-Danlos Syndrome Type IV. Identifiers: Orphanet 286, MedGen C0268338, MONDO:0017314, OMIM 130050.
Familial thoracic aortic aneurysm and aortic dissection (TAAD). Also called: Thoracic aortic aneurysms and dissections. Identifiers: Orphanet 91387, MedGen C4707243, MONDO:0019625.

Allele frequency attached by ClinVar (database versions not stated): gnomAD exomes below 0.00001 and 0.00001; ExAC 0.00001; gnomAD 0.00001; TOPMed 0.00001.
gnomAD v4.1: 5 of 1,612,980 alleles (0.00031%); highest among the groups gnomAD compares: Non-Finnish European, 0.00042%; no homozygotes.

Submissions (4):

Labcorp Genetics (formerly Invitae), Labcorp
Classification: Uncertain significance for Ehlers-Danlos syndrome, type 4. Last evaluated: 2025-05-15. Review status: criteria provided, single submitter. Criteria: Invitae Variant Classification Sherloc (09022015). Collection method: clinical testing. Allele origin: germline.
Comment: This sequence change replaces histidine, which is basic and polar, with arginine, which is basic and polar, at codon 34 of the COL3A1 protein (p.His34Arg). This variant is present in population databases (rs752110396, gnomAD 0.002%). This variant has not been reported in the literature in individuals affected with COL3A1-related conditions. ClinVar contains an entry for this variant (Variation ID: 199751). Invitae Evidence Modeling of protein sequence and biophysical properties (such as structural, functional, and spatial information, amino acid conservation, physicochemical variation, residue mobility, and thermodynamic stability) indicates that this missense variant is not expected to disrupt COL3A1 protein function with a negative predictive value of 95%. In summary, the available evidence is currently insufficient to determine the role of this variant in disease. Therefore, it has been classified as a Variant of Uncertain Significance.

Color Diagnostics, LLC DBA Color Health
Classification: Uncertain significance for Familial thoracic aortic aneurysm and aortic dissection. Last evaluated: 2024-03-06. Review status: criteria provided, single submitter. Criteria: ACMG Guidelines, 2015. Collection method: clinical testing. Allele origin: germline.
Comment: This missense variant replaces histidine with arginine at codon 34 of the COL3A1 protein. Computational prediction suggests that this variant may not impact protein structure and function (internally defined REVEL score threshold <= 0.5, PMID: 27666373). To our knowledge, functional studies have not been reported for this variant. This variant has not been reported in individuals affected with COL3A1-related disorders in the literature. This variant has been identified in 2/250958 chromosomes in the general population by the Genome Aggregation Database (gnomAD). The available evidence is insufficient to determine the role of this variant in disease conclusively. Therefore, this variant is classified as a Variant of Uncertain Significance.

All of Us Research Program, National Institutes of Health
Classification: Uncertain significance for Ehlers-Danlos syndrome, type 4. Last evaluated: 2023-10-27. Review status: criteria provided, single submitter. Criteria: ACMG Guidelines, 2015. Collection method: clinical testing. Allele origin: germline. Inheritance: Autosomal dominant inheritance. Observed: 5 variant alleles, 5 heterozygotes.
Comment: This missense variant replaces histidine with arginine at codon 34 of the COL3A1 protein. Computational prediction suggests that this variant may not impact protein structure and function (internally defined REVEL score threshold <= 0.5, PMID: 27666373). To our knowledge, functional studies have not been reported for this variant. This variant has been reported in an individual affected with hypermobile Ehlers-Danlos syndrome (Wilson et al. 2019, DOI: 10.4236/jbm.2019.712015). This variant has been identified in 2/250958 chromosomes in the general population by the Genome Aggregation Database (gnomAD). The available evidence is insufficient to determine the role of this variant in disease conclusively. Therefore, this variant is classified as a Variant of Uncertain Significance.

This study involves interpretation of variants in research participants for the purpose of population health screening. Participant phenotype was not available at the time of variant classification. Additional details can be found in publication PMID: 35346344, PMCID: PMC8962531

GeneDx
Classification: Uncertain significance. Last evaluated: 2021-03-17. Review status: criteria provided, single submitter. Criteria: GeneDx Variant Classification Process June 2021. Collection method: clinical testing. Allele origin: germline. Affected: yes.
Comment: Has not been previously published as pathogenic or benign to our knowledge; Not observed at a significant frequency in large population cohorts (Lek et al., 2016); In silico analysis, which includes protein predictors and evolutionary conservation, supports that this variant does not alter protein structure/function; Not located in the triple helical region, where the majority of pathogenic missense variants occur (Stenson et al., 2014); Reported in ClinVar as a variant of uncertain significance (ClinVar Variant ID# 199751; Landrum et al., 2016)

NM_000090.4(COL3A1):c.101A>G (p.His34Arg)

Gene: COL3A1 (collagen type III alpha 1 chain; plus strand). Cytogenetic location: 2q32.2.
Variant type: single nucleotide variant.
Coding change: c.101A>G on transcript NM_000090.4 (MANE Select); coding-DNA position 101, A replaced by G.
Protein change: p.His34Arg; replaces histidine 34 with arginine.
Molecular consequence: missense variant.
Genome position (GRCh38, 1-based): chr2:188,984,781, A>G. VCF-style: chr2-188984781-A-G. GRCh37 (hg19) VCF-style: chr2-189849507-A-G.
Other names: p.H34R:CAT>CGT; short protein forms H34R.
Identifiers: ClinVar variation 199751 (VCV000199751.16), dbSNP rs752110396, ClinGen allele CA004024.
Genomic context (GRCh38, chr2:188,984,781, plus strand): 5'-AACCTAAGGAAACTTCACGTCATCTAACTTGTTTTTCAGCTGTTGAAGGAGGATGTTCCC[A>G]TCTTGGTCAGTCCTATGCGGATAGAGATGTCTGGAAGCCAGAACCATGCCAAATATGTGT-3'
Protein context (NP_000081.2, residues 24-44): QQEAVEGGCS[His34Arg]LGQSYADRDV